The following is an entry in ClinVar:

ClinVar aggregate classification (germline): Uncertain significance. Review status: criteria provided, multiple submitters, no conflicts (2 of 4 stars). 3 submissions from 3 submitters: Uncertain significance (3). Last evaluated 2026-05-11.

Conditions:
Early-infantile DEE. Also called: Early infantile epileptic encephalopathy; Ohtahara syndrome; Early infantile epileptic encephalopathy with suppression bursts. Identifiers: Orphanet 1934, MedGen C0393706, MONDO:0800491.

Allele frequency attached by ClinVar (database versions not stated): gnomAD exomes below 0.00001; TOPMed 0.00001.
gnomAD v4.1: 4 of 1,611,152 alleles (0.00025%); highest among the groups gnomAD compares: South Asian, 0.0022%; no homozygotes.

Submissions (3):

Women's Health and Genetics/Laboratory Corporation of America, LabCorp
Classification: Uncertain significance. Last evaluated: 2026-05-11. Review status: criteria provided, single submitter. Criteria: LabCorp Variant Classification Summary - May 2015. Collection method: clinical testing. Allele origin: germline.
Comment: Variant summary: SCN8A c.2359G>A (p.Val787Ile) results in a conservative amino acid change in the encoded protein sequence. Algorithms developed to predict the effect of missense changes on protein structure and function are either unavailable or do not agree on the potential impact of this missense change. The variant allele was found at a frequency of 4e-06 in 248366 control chromosomes. The available data on variant occurrences in the general population are insufficient to allow any conclusion about variant significance. To our knowledge, no occurrence of c.2359G>A in individuals affected with SCN8A-related conditions and no experimental evidence demonstrating its impact on protein function have been reported. ClinVar contains an entry for this variant (Variation ID: 834196). Based on the evidence outlined above, the variant was classified as uncertain significance.

CeGaT Center for Human Genetics Tuebingen
Classification: Uncertain significance. Last evaluated: 2022-10-01. Review status: criteria provided, single submitter. Criteria: CeGaT Center For Human Genetics Tuebingen Variant Classification Criteria Version 2. Collection method: clinical testing. Allele origin: germline. Affected: yes. Observed: 1 variant allele.
Comment: SCN8A: PP2

Labcorp Genetics (formerly Invitae), Labcorp
Classification: Uncertain significance for Early-infantile DEE. Last evaluated: 2019-04-04. Review status: criteria provided, single submitter. Criteria: Invitae Variant Classification Sherloc (09022015). Collection method: clinical testing. Allele origin: germline.
Comment: Algorithms developed to predict the effect of missense changes on protein structure and function are either unavailable or do not agree on the potential impact of this missense change (SIFT: "Deleterious"; PolyPhen-2: "Benign"; Align-GVGD: "Class C0"). This sequence change replaces valine with isoleucine at codon 787 of the SCN8A protein (p.Val787Ile). The valine residue is highly conserved and there is a small physicochemical difference between valine and isoleucine. This variant is not present in population databases (ExAC no frequency). This variant has not been reported in the literature in individuals with SCN8A-related conditions. In summary, the available evidence is currently insufficient to determine the role of this variant in disease. Therefore, it has been classified as a Variant of Uncertain Significance.

NM_001330260.2(SCN8A):c.2359G>A (p.Val787Ile)

Gene: SCN8A (sodium voltage-gated channel alpha subunit 8; plus strand). Cytogenetic location: 12q13.13.
Variant type: single nucleotide variant.
Coding change: c.2359G>A on transcript NM_001330260.2 (MANE Select); coding-DNA position 2359, G replaced by A.
Protein change: p.Val787Ile; replaces valine 787 with isoleucine.
Molecular consequence: missense variant.
Genome position (GRCh38, 1-based): chr12:51,751,582, G>A. VCF-style: chr12-51751582-G-A. GRCh37 (hg19) VCF-style: chr12-52145366-G-A.
Other names: c.2359G>A, p.Val787Ile (NM_001177984.3, NM_001369788.1, NM_014191.4); short protein forms V787I.
Identifiers: ClinVar variation 834196 (VCV000834196.35), dbSNP rs1178470597, ClinGen allele CA384880213.
Genomic context (GRCh38, chr12:51,751,582, plus strand): 5'-ACACTGTTTATGGCAATGGAGCACCATCCTATGACACCACAATTTGAACATGTCTTGGCT[G>A]TAGGAAATCTGGTAAGATGGAACACTGTCTCCCGATATTAGGATTGGAATGTGTTTTGCC-3'
Protein context (NP_001317189.1, residues 777-797): MTPQFEHVLA[Val787Ile]GNLVFTGIFT